The following is an entry in ClinVar:

ClinVar aggregate classification (germline): Conflicting classifications of pathogenicity. Review status: criteria provided, conflicting classifications (1 of 4 stars). 6 submissions from 6 submitters: Uncertain significance (5); Likely benign (1). Last evaluated 2026-06-09.

Conditions:
Familial thoracic aortic aneurysm and aortic dissection (TAAD). Also called: Thoracic aortic aneurysms and dissections. Identifiers: Orphanet 91387, MedGen C4707243, MONDO:0019625.
Ehlers-Danlos syndrome, type 4 (EDSVASC). Also called: Ehlers-Danlos Syndrome Type IV; Ehlers-Danlos syndrome vascular type; Ehlers Danlos syndrome, ecchymotic type; Ehlers Danlos syndrome, arterial type; Ehlers Danlos syndrome, Sack-Barabas type. Identifiers: Orphanet 286, MedGen C0268338, MONDO:0017314, OMIM 130050.

Allele frequency attached by ClinVar (database versions not stated): gnomAD exomes below 0.00001; TOPMed 0.00001; ESP Exome Variant Server 0.00008.
gnomAD v4.1: 27 of 1,614,130 alleles (0.0017%); highest among the groups gnomAD compares: Non-Finnish European, 0.0023%; no homozygotes.

Submissions (6):

Ambry Genetics
Classification: Uncertain significance for Familial thoracic aortic aneurysm and aortic dissection. Last evaluated: 2026-06-09. Review status: criteria provided, single submitter. Criteria: Ambry Variant Classification Scheme 2023. Collection method: clinical testing. Allele origin: germline.
Comment: The p.D1333G variant (also known as c.3998A>G), located in coding exon 49 of the COL3A1 gene, results from an A to G substitution at nucleotide position 3998. The aspartic acid at codon 1333 is replaced by glycine, an amino acid with similar properties. This amino acid position is conserved. In addition, this alteration is predicted to be tolerated by in silico analysis. Based on the available evidence, the clinical significance of this variant remains unclear.

Color Diagnostics, LLC DBA Color Health
Classification: Likely benign for Familial thoracic aortic aneurysm and aortic dissection. Last evaluated: 2025-04-08. Review status: criteria provided, single submitter. Criteria: ACMG Guidelines, 2015. Collection method: clinical testing. Allele origin: germline.

Labcorp Genetics (formerly Invitae), Labcorp
Classification: Uncertain significance for Ehlers-Danlos syndrome, type 4. Last evaluated: 2023-05-27. Review status: criteria provided, single submitter. Criteria: Invitae Variant Classification Sherloc (09022015). Collection method: clinical testing. Allele origin: germline.
Comment: Advanced modeling of protein sequence and biophysical properties (such as structural, functional, and spatial information, amino acid conservation, physicochemical variation, residue mobility, and thermodynamic stability) performed at Invitae indicates that this missense variant is not expected to disrupt COL3A1 protein function. In summary, the available evidence is currently insufficient to determine the role of this variant in disease. Therefore, it has been classified as a Variant of Uncertain Significance. ClinVar contains an entry for this variant (Variation ID: 333069). This variant has not been reported in the literature in individuals affected with COL3A1-related conditions. This variant is present in population databases (rs376651720, gnomAD 0.0009%). This sequence change replaces aspartic acid, which is acidic and polar, with glycine, which is neutral and non-polar, at codon 1333 of the COL3A1 protein (p.Asp1333Gly).

CHEO Genetics Diagnostic Laboratory, Children's Hospital of Eastern Ontario
Classification: Uncertain significance for Familial thoracic aortic aneurysm and aortic dissection. Last evaluated: 2022-09-08. Review status: criteria provided, single submitter. Criteria: ACMG Guidelines, 2015. Collection method: clinical testing. Allele origin: germline.

GeneDx
Classification: Uncertain significance. Last evaluated: 2019-11-05. Review status: criteria provided, single submitter. Criteria: GeneDx Variant Classification Process June 2021. Collection method: clinical testing. Allele origin: germline. Affected: yes.
Comment: Has not been previously published as pathogenic or benign to our knowledge; Not observed at a significant frequency in large population cohorts (Lek et al., 2016); In silico analysis, which includes protein predictors and evolutionary conservation, supports that this variant does not alter protein structure/function; Not located in the triple helical region, where the majority of pathogenic missense variants occur (Stenson et al., 2014)

Illumina Laboratory Services, Illumina
Classification: Uncertain significance for Ehlers-Danlos syndrome, type 4. Last evaluated: 2018-01-12. Review status: criteria provided, single submitter. Criteria: ICSL Variant Classification Criteria 13 December 2019. Collection method: clinical testing. Allele origin: germline.

NM_000090.4(COL3A1):c.3998A>G (p.Asp1333Gly)

Gene: COL3A1 (collagen type III alpha 1 chain; plus strand). Cytogenetic location: 2q32.2.
Variant type: single nucleotide variant.
Coding change: c.3998A>G on transcript NM_000090.4 (MANE Select); coding-DNA position 3998, A replaced by G.
Protein change: p.Asp1333Gly; replaces aspartic acid 1333 with glycine.
Molecular consequence: missense variant.
Genome position (GRCh38, 1-based): chr2:189,010,352, A>G. VCF-style: chr2-189010352-A-G. GRCh37 (hg19) VCF-style: chr2-189875078-A-G.
Other names: short protein forms D1333G.
Identifiers: ClinVar variation 333069 (VCV000333069.12), dbSNP rs376651720, ClinGen allele CA10613454.